The following is an entry in ClinVar:

NM_001184.4(ATR):c.3874A>G (p.Ile1292Val)

Gene: ATR (ATR checkpoint kinase; minus strand). Cytogenetic location: 3q23.
Variant type: single nucleotide variant.
Coding change: c.3874A>G on transcript NM_001184.4 (MANE Select); coding-DNA position 3874, A replaced by G.
Protein change: p.Ile1292Val; replaces isoleucine 1292 with valine.
Molecular consequence: missense variant.
Genome position (GRCh38, 1-based): chr3:142,535,151, T>C on the plus strand (A>G on the coding strand, the complement: ATR is on the minus strand). VCF-style: chr3-142535151-T-C. GRCh37 (hg19) VCF-style: chr3-142253993-T-C.
Other names: c.3682A>G, p.Ile1228Val (NM_001354579.2); short protein forms I1228V, I1292V.
Identifiers: ClinVar variation 2562498 (VCV002562498.2), dbSNP rs747654205, ClinGen allele CA2649973.

ClinVar aggregate classification (germline): Uncertain significance (1 of 4 stars; one submission).

Conditions:
Inborn genetic diseases. Identifiers: MedGen C0950123, MeSH D030342.

Allele frequency attached by ClinVar (database versions not stated): ExAC 0.00001; gnomAD exomes 0.00001.
gnomAD v4.1: 3 of 1,613,304 alleles (0.00019%); highest among the groups gnomAD compares: Middle Eastern, 0.017%; no homozygotes.

Submission:

Ambry Genetics
Classification: Uncertain significance for Inborn genetic diseases. Last evaluated: 2023-04-10. Review status: criteria provided, single submitter. Criteria: Ambry Variant Classification Scheme 2023. Collection method: clinical testing. Allele origin: germline.
Comment: The p.I1292V variant (also known as c.3874A>G), located in coding exon 21 of the ATR gene, results from an A to G substitution at nucleotide position 3874. The isoleucine at codon 1292 is replaced by valine, an amino acid with highly similar properties. This amino acid position is conserved. In addition, this alteration is predicted to be tolerated by in silico analysis. Since supporting evidence is limited at this time, the clinical significance of this alteration remains unclear.